The following is an entry in ClinVar:

ClinVar aggregate classification (germline): Uncertain significance (1 of 4 stars; one submission).

Conditions:
Hypogonadotropic hypogonadism. Also called: Hypogonadotrophic hypogonadism; Isolated hypogonadotropic hypogonadism; Hypogonadotropic hypogonadism with or without anosmia; Low gonadotropins (secondary hypogonadism). Identifiers: Orphanet 432, MedGen C0271623, MONDO:0018555, HP:0000044.

Submission:

Reproductive Endocrine Unit, Massachusetts General Hospital
Classification: Uncertain significance for HYPOGONADOTROPIC HYPOGONADISM. Last evaluated: 2024-06-25. Review status: criteria provided, single submitter. Criteria: ACMG Guidelines, 2015. Collection method: research. Allele origin: unknown. Affected: yes.
Comment: PM2,PP2,BP4

NM_003108.4(SOX11):c.629G>T (p.Gly210Val)

Gene: SOX11 (SRY-box transcription factor 11; plus strand). Cytogenetic location: 2p25.2.
Variant type: single nucleotide variant.
Coding change: c.629G>T on transcript NM_003108.4 (MANE Select); coding-DNA position 629, G replaced by T.
Protein change: p.Gly210Val; replaces glycine 210 with valine.
Molecular consequence: missense variant.
Genome position (GRCh38, 1-based): chr2:5,693,350, G>T. VCF-style: chr2-5693350-G-T. GRCh37 (hg19) VCF-style: chr2-5833482-G-T.
Other names: short protein forms G210V.
Identifiers: ClinVar variation 3251949 (VCV003251949.1), dbSNP rs2465088018.